The following is an entry in ClinVar:

NM_012414.4(RAB3GAP2):c.1488-222_1488-221del

Gene: RAB3GAP2 (RAB3 GTPase activating non-catalytic protein subunit 2; minus strand). Cytogenetic location: 1q41.
Variant type: Deletion.
Coding change: c.1488-222_1488-221del on transcript NM_012414.4 (MANE Select); 222 bases into the intron before coding-DNA position 1488 through 221 bases into the intron before coding-DNA position 1488, 2 bases deleted (AG; older notation c.1488-222_1488-221delAG).
Molecular consequence: intron variant.
Genome position (GRCh38, 1-based): chr1:220,190,741-220,190,742, CT deleted on the plus strand (AG on the coding strand, the reverse complement: RAB3GAP2 is on the minus strand). VCF-style (leftmost placement, unchanged base first): chr1-220190740-CCT-C. GRCh37 (hg19) VCF-style: chr1-220364082-CCT-C.
Identifiers: ClinVar variation 678742 (VCV000678742.1), dbSNP rs141349027, ClinGen allele CA37563040.
Genomic context (GRCh38, chr1:220,190,740, plus strand): 5'-AACCAGCAGAGTTCTGCCTTGTTGAAAGATTCTAAAAAATTAAATGAACACAATCAGGCC[CCT>C]GTTTCAATGGCAAACAAAGCATTCACCTCACTTATGACTAGGGCAAAAGGAACCTTTCCT-3'

ClinVar aggregate classification (germline): Likely benign (1 of 4 stars; one submission).

Allele frequency attached by ClinVar (database versions not stated): 1000 Genomes Project 0.01518; 1000 Genomes Project 30x 0.01577; gnomAD 0.01655 and 0.01723; TOPMed 0.01841.

Submission:

GeneDx
Classification: Likely benign. Last evaluated: 2018-06-16. Review status: criteria provided, single submitter. Criteria: GeneDx Variant Classification (06012015). Collection method: clinical testing. Allele origin: germline. Affected: yes.
Comment: This variant is considered likely benign or benign based on one or more of the following criteria: it is a conservative change, it occurs at a poorly conserved position in the protein, it is predicted to be benign by multiple in silico algorithms, and/or has population frequency not consistent with disease.